The following is an entry in ClinVar:

ClinVar aggregate classification (germline): Pathogenic (1 of 4 stars; one submission).

Conditions:
Kleefstra syndrome 1 (KLEFS1). Identifiers: Orphanet 261494, MedGen C0795833, MONDO:0027407, OMIM 610253.

Submission:

Laboratory of Genetics, Children's Clinical University Hospital Latvia
Classification: Pathogenic for Kleefstra syndrome 1. Review status: criteria provided, single submitter. Criteria: ACMG Guidelines, 2015. Collection method: curation. Allele origin: de novo. Affected: yes.
Comment: de novo

Literature cited by the submitters: PubMed 39013458.

NM_024757.5(EHMT1):c.2474_2475dup (p.Ile826fs)

Gene: EHMT1 (euchromatic histone lysine methyltransferase 1; plus strand). Cytogenetic location: 9q34.3.
Variant type: Duplication.
Coding change: c.2474_2475dup on transcript NM_024757.5 (MANE Select); coding-DNA positions 2474 to 2475, 2 bases duplicated (TC; older notation c.2474_2475dupTC).
Protein change: p.Ile826fs; shifts the reading frame from isoleucine 826.
Molecular consequence: frameshift variant.
Genome position (GRCh38, 1-based): chr9:137,790,939-137,790,940, TC duplicated; duplicating any 2 consecutive bases within chr9:137,790,938-137,790,940 gives the same sequence; the c. name uses the placement nearest the transcript's 3' end. VCF-style (leftmost placement, unchanged base first): chr9-137790937-C-CCT. GRCh37 (hg19) VCF-style: chr9-140685389-C-CCT.
Other names: c.2381_2382dup, p.Ile795fs (NM_001354259.2); c.2453_2454dup, p.Ile819fs (NM_001354263.2); short protein forms I795fs, I819fs, I826fs.
Identifiers: ClinVar variation 3236876 (VCV003236876.1).